The following is an entry in ClinVar:

NM_177438.3(DICER1):c.250C>T (p.Gln84Ter)

Gene: DICER1 (dicer 1, ribonuclease III; minus strand). Cytogenetic location: 14q32.13.
Variant type: single nucleotide variant.
Coding change: c.250C>T on transcript NM_177438.3 (MANE Select); coding-DNA position 250, C replaced by T.
Protein change: p.Gln84Ter; replaces glutamine 84 with a stop codon.
Molecular consequence: nonsense. On other transcripts: 5 prime UTR variant (9), non-coding transcript variant (6).
Genome position (GRCh38, 1-based): chr14:95,132,572, G>A on the plus strand (C>T on the coding strand, the complement: DICER1 is on the minus strand). VCF-style: chr14-95132572-G-A. GRCh37 (hg19) VCF-style: chr14-95598909-G-A.
Other names: c.250C>T, p.Gln84Ter (NM_001195573.1, NM_001271282.3, NM_001291628.2 and 15 more transcripts); c.-25C>T (NM_001395686.1, NM_001395687.1, NM_001395688.1 and 4 more transcripts); c.-209C>T (NM_001395691.1); c.-1319C>T (NM_001395697.1); short protein forms Q84*.
Identifiers: ClinVar variation 1792369 (VCV001792369.3), dbSNP rs2543368785, ClinGen allele CA390889822.
Genomic context (GRCh38, chr14:95,132,572, plus strand): 5'-TACCAGAGTTGACCAAGAACACCGTCCTTTTTCCATTTCTGCTGAAGTCTCCCCTGATCT[G>A]ATAGGACAGCTCTTTAGTGAGTAGTACTGCAATAAATGTCTTCCCTGAGCCAGTGTTTAA-3'

ClinVar aggregate classification (germline): Pathogenic/Likely pathogenic. Review status: criteria provided, multiple submitters, no conflicts (2 of 4 stars). 2 submissions from 2 submitters: Pathogenic (1); Likely pathogenic (1). Last evaluated 2024-05-01.

Conditions:
DICER1-related disorder. Also called: DICER1-related condition.
Hereditary cancer-predisposing syndrome. Also called: Hereditary Cancer Syndrome; Hereditary neoplastic syndrome; Tumor predisposition; Neoplastic Syndromes, Hereditary. Identifiers: Orphanet 140162, MedGen C0027672, MeSH D009386, MONDO:0015356.

Submissions (2):

Swedish National ChiCaP Initative, Genomic Medicine Sweden
Classification: Likely pathogenic for DICER1-related disorder. Last evaluated: 2024-05-01. Review status: criteria provided, single submitter. Criteria: ACMG Guidelines, 2015. Collection method: clinical testing. Allele origin: germline. Affected: yes.

Ambry Genetics
Classification: Pathogenic for Hereditary cancer-predisposing syndrome. Last evaluated: 2017-08-09. Review status: criteria provided, single submitter. Criteria: Ambry Variant Classification Scheme 2023. Collection method: clinical testing. Allele origin: germline.
Comment: The p.Q84* pathogenic mutation (also known as c.250C>T), located in coding exon 2 of the DICER1 gene, results from a C to T substitution at nucleotide position 250. This changes the amino acid from a glutamine to a stop codon within coding exon 2. This alteration is expected to result in loss of function by premature protein truncation or nonsense-mediated mRNA decay. As such, this alteration is interpreted as a disease-causing mutation.